The following is an entry in ClinVar:

ClinVar aggregate classification (germline): Uncertain significance (1 of 4 stars; one submission).

Submission:

GeneDx
Classification: Uncertain significance. Last evaluated: 2023-01-13. Review status: criteria provided, single submitter. Criteria: GeneDx Variant Classification Process June 2021. Collection method: clinical testing. Allele origin: germline. Affected: yes.
Comment: Not observed at significant frequency in large population cohorts (gnomAD); In silico analysis supports that this missense variant has a deleterious effect on protein structure/function; Has not been previously published as pathogenic or benign to our knowledge

NM_020435.4(GJC2):c.812T>G (p.Met271Arg)

Gene: GJC2 (gap junction protein gamma 2; plus strand). Cytogenetic location: 1q42.13.
Variant type: single nucleotide variant.
Coding change: c.812T>G on transcript NM_020435.4 (MANE Select); coding-DNA position 812, T replaced by G.
Protein change: p.Met271Arg; replaces methionine 271 with arginine.
Molecular consequence: missense variant.
Genome position (GRCh38, 1-based): chr1:228,158,570, T>G. VCF-style: chr1-228158570-T-G. GRCh37 (hg19) VCF-style: chr1-228346271-T-G.
Other names: short protein forms M271R.
Identifiers: ClinVar variation 2572857 (VCV002572857.1), dbSNP rs2527877203, ClinGen allele CA345099537.